The following is an entry in ClinVar:

ClinVar aggregate classification (germline): Uncertain significance (1 of 4 stars; one submission).

Conditions:
Hereditary cancer-predisposing syndrome. Also called: Neoplastic Syndromes, Hereditary; Tumor predisposition; Hereditary neoplastic syndrome; Hereditary Cancer Syndrome. Identifiers: Orphanet 140162, MedGen C0027672, MeSH D009386, MONDO:0015356.

Submission:

Labcorp Genetics (formerly Invitae), Labcorp
Classification: Uncertain significance for Hereditary cancer-predisposing syndrome. Last evaluated: 2024-01-19. Review status: criteria provided, single submitter. Criteria: Invitae Variant Classification Sherloc (09022015). Collection method: clinical testing. Allele origin: germline.
Comment: This sequence change creates a premature translational stop signal (p.Val1274Cysfs*8) in the RAD50 gene. While this is not anticipated to result in nonsense mediated decay, it is expected to disrupt the last 39 amino acid(s) of the RAD50 protein. This variant is not present in population databases (gnomAD no frequency). This variant has not been reported in the literature in individuals affected with RAD50-related conditions. ClinVar contains an entry for this variant (Variation ID: 1362882). Algorithms developed to predict the effect of sequence changes on RNA splicing suggest that this variant may disrupt the consensus splice site. In summary, the available evidence is currently insufficient to determine the role of this variant in disease. Therefore, it has been classified as a Variant of Uncertain Significance.

NM_005732.4(RAD50):c.3819dup (p.Val1274fs)

Genes: TH2LCRR (T helper type 2 locus control region associated RNA; minus strand), RAD50 (RAD50 double strand break repair protein; plus strand). Cytogenetic location: 5q31.1.
Variant type: Duplication.
Coding change: c.3819dup on transcript NM_005732.4 (MANE Select); coding-DNA position 3819, one base duplicated (T; older notation c.3819dupT).
Protein change: p.Val1274fs; shifts the reading frame from valine 1274.
Molecular consequence: frameshift variant. On other transcripts: non-coding transcript variant (1).
Genome position (GRCh38, 1-based): chr5:132,642,244, T duplicated; the last of 4 consecutive T bases (chr5:132,642,241-132,642,244); duplicating any one gives the same sequence. VCF-style (leftmost placement, unchanged base first): chr5-132642240-A-AT. GRCh37 (hg19) VCF-style: chr5-131977932-A-AT.
Other names: short protein forms V1274fs.
Identifiers: ClinVar variation 1362882 (VCV001362882.8), dbSNP rs1751740888, ClinGen allele CA1583254606.